The following is an entry in ClinVar:

NM_003611.3(OFD1):c.2052C>G (p.Ser684=)

Gene: OFD1 (OFD1 centriole and centriolar satellite protein; plus strand). Cytogenetic location: Xp22.2.
Variant type: single nucleotide variant.
Coding change: c.2052C>G on transcript NM_003611.3 (MANE Select); coding-DNA position 2052, C replaced by G.
Protein change: p.Ser684=; no amino-acid change (serine 684 retained).
Molecular consequence: synonymous variant.
Genome position (GRCh38, 1-based): chrX:13,760,512, C>G. VCF-style: chrX-13760512-C-G. GRCh37 (hg19) VCF-style: chrX-13778631-C-G.
Other names: p.Ser684=; c.1932C>G, p.Ser644= (NM_001330209.2); c.1632C>G, p.Ser544= (NM_001330210.2).
Identifiers: ClinVar variation 194631 (VCV000194631.61), dbSNP rs61742891, ClinGen allele CA201272.

ClinVar aggregate classification (germline): Benign/Likely benign. Review status: criteria provided, multiple submitters, no conflicts (2 of 4 stars). 10 submissions from 10 submitters: Benign (7); Likely benign (1). 2 of the submissions do not count toward it. Last evaluated 2026-01-26.

Conditions:
Joubert syndrome. Also called: Familial aplasia of the vermis; JOUBERT-BOLTSHAUSER SYNDROME. Identifiers: Orphanet 475, MedGen C5979921, MONDO:0018772.
Orofaciodigital syndrome I (OFD1). Also called: Oral-Facial-Digital Syndrome Type I; Papillon-Leage and Psaume Syndrome; OFDS I. Identifiers: Orphanet 2750, MedGen C1510460, MONDO:0010702, OMIM 311200.
Primary ciliary dyskinesia. Also called: Ciliary dyskinesia. Identifiers: Orphanet 244, MedGen C0008780, MONDO:0016575, HP:0012265.

Allele frequency attached by ClinVar (database versions not stated): 1000 Genomes Project 30x 0.00333; TOPMed 0.00603.
gnomAD v4.1: 1,100 of 1,167,496 alleles (0.094%); highest among the groups gnomAD compares: African/African-American, 1.8%; 7 homozygotes.

Submissions (10):

Labcorp Genetics (formerly Invitae), Labcorp
Classification: Benign for Orofaciodigital syndrome I; Joubert syndrome. Last evaluated: 2026-01-26. Review status: criteria provided, single submitter. Criteria: Invitae Variant Classification Sherloc (09022015). Collection method: clinical testing. Allele origin: germline.

Mayo Clinic Laboratories, Mayo Clinic
Classification: Benign. Last evaluated: 2025-01-20. Review status: criteria provided, single submitter. Criteria: ACMG Guidelines, 2015. Collection method: clinical testing. Allele origin: germline. Observed: 4 variant alleles.
Comment: BA1

Blueprint Genetics
Classification: Likely benign. Last evaluated: 2024-10-04. Review status: criteria provided, single submitter. Criteria: ACMG Guidelines, 2015. Collection method: clinical testing. Allele origin: germline.

GeneDx
Classification: Benign. Last evaluated: 2017-07-17. Review status: criteria provided, single submitter. Criteria: GeneDx Variant Classification (06012015). Collection method: clinical testing. Allele origin: germline. Affected: yes.
Comment: This variant is considered likely benign or benign based on one or more of the following criteria: it is a conservative change, it occurs at a poorly conserved position in the protein, it is predicted to be benign by multiple in silico algorithms, and/or has population frequency not consistent with disease.

Ambry Genetics
Classification: Benign for Primary ciliary dyskinesia. Last evaluated: 2015-07-12. Review status: criteria provided, single submitter. Criteria: Ambry Variant Classification Scheme 2023. Collection method: clinical testing. Allele origin: germline.

Eurofins Ntd Llc (ga)
Classification: Benign. Last evaluated: 2014-10-28. Review status: criteria provided, single submitter. Criteria: EGL Classification Definitions 2015. Collection method: clinical testing. Allele origin: germline. Observed: 1 variant allele, 1 heterozygote.

Breakthrough Genomics
Classification: Benign. Review status: criteria provided, single submitter. Criteria: ACMG Guidelines, 2015. Collection method: not provided. Allele origin: germline. Inheritance: X-linked inheritance. Affected: yes.

PreventionGenetics, part of Exact Sciences
Classification: Benign. Review status: criteria provided, single submitter. Criteria: ACMG Guidelines, 2015. Collection method: clinical testing. Allele origin: germline.

Clinical Genetics, Academic Medical Center
Classification: Benign. Review status: no assertion criteria provided. Collection method: clinical testing. Allele origin: germline. Affected: yes. Study: VKGL Data-share Consensus. Not counted in ClinVar's aggregate classification.

Genome Diagnostics Laboratory, University Medical Center Utrecht
Classification: Likely benign. Review status: no assertion criteria provided. Collection method: clinical testing. Allele origin: germline. Affected: yes. Study: VKGL Data-share Consensus. Not counted in ClinVar's aggregate classification.